The following is an entry in ClinVar:

NM_001080449.3(DNA2):c.1865T>C (p.Ile622Thr)

Gene: DNA2 (DNA replication helicase/nuclease 2; minus strand). Cytogenetic location: 10q21.3.
Variant type: single nucleotide variant.
Coding change: c.1865T>C on transcript NM_001080449.3 (MANE Select); coding-DNA position 1865, T replaced by C.
Protein change: p.Ile622Thr; replaces isoleucine 622 with threonine.
Molecular consequence: missense variant. On other transcripts: non-coding transcript variant (1).
Genome position (GRCh38, 1-based): chr10:68,432,214, A>G on the plus strand (T>C on the coding strand, the complement: DNA2 is on the minus strand). VCF-style: chr10-68432214-A-G. GRCh37 (hg19) VCF-style: chr10-70191971-A-G.
Other names: short protein forms I622T.
Identifiers: ClinVar variation 1981941 (VCV001981941.4), dbSNP rs370696008, ClinGen allele CA5524964.

ClinVar aggregate classification (germline): Uncertain significance (1 of 4 stars; one submission).

Allele frequency attached by ClinVar (database versions not stated): gnomAD exomes 0.00001; ExAC 0.00004; gnomAD 0.00013; TOPMed 0.00013; ESP Exome Variant Server 0.00017.
gnomAD v4.1: 30 of 1,577,790 alleles (0.0019%); highest among the groups gnomAD compares: African/African-American, 0.04%; no homozygotes.

Submission:

Labcorp Genetics (formerly Invitae), Labcorp
Classification: Uncertain significance. Last evaluated: 2024-08-28. Review status: criteria provided, single submitter. Criteria: Invitae Variant Classification Sherloc (09022015). Collection method: clinical testing. Allele origin: germline.
Comment: This sequence change replaces isoleucine, which is neutral and non-polar, with threonine, which is neutral and polar, at codon 622 of the DNA2 protein (p.Ile622Thr). This variant is present in population databases (rs370696008, gnomAD 0.05%). This variant has not been reported in the literature in individuals affected with DNA2-related conditions. ClinVar contains an entry for this variant (Variation ID: 1981941). Invitae Evidence Modeling of protein sequence and biophysical properties (such as structural, functional, and spatial information, amino acid conservation, physicochemical variation, residue mobility, and thermodynamic stability) indicates that this missense variant is not expected to disrupt DNA2 protein function with a negative predictive value of 80%. In summary, the available evidence is currently insufficient to determine the role of this variant in disease. Therefore, it has been classified as a Variant of Uncertain Significance.